The following is an entry in ClinVar:

ClinVar aggregate classification (germline): Uncertain significance. Review status: criteria provided, multiple submitters, no conflicts (2 of 4 stars). 3 submissions from 3 submitters: Uncertain significance (3). Last evaluated 2024-12-23.

Conditions:
Hereditary cancer-predisposing syndrome. Also called: Hereditary Cancer Syndrome; Neoplastic Syndromes, Hereditary; Tumor predisposition; Hereditary neoplastic syndrome. Identifiers: Orphanet 140162, MedGen C0027672, MeSH D009386, MONDO:0015356.
Familial cancer of breast. Also called: Hereditary breast cancer; BREAST CANCER, FAMILIAL; hereditary breast carcinoma. Identifiers: Orphanet 227535, MedGen C0346153, MONDO:0016419, OMIM 114480. Disease mechanism: loss of function.

Submissions (3):

Ambry Genetics
Classification: Uncertain significance for Hereditary cancer-predisposing syndrome. Last evaluated: 2024-12-23. Review status: criteria provided, single submitter. Criteria: Ambry Variant Classification Scheme 2023. Collection method: clinical testing. Allele origin: germline.
Comment: The p.R43C variant (also known as c.127C>T), located in coding exon 1 of the BARD1 gene, results from a C to T substitution at nucleotide position 127. The arginine at codon 43 is replaced by cysteine, an amino acid with highly dissimilar properties. This amino acid position is highly conserved in available vertebrate species. In addition, the in silico prediction for this alteration is inconclusive. Based on the available evidence, the clinical significance of this variant remains unclear.

Labcorp Genetics (formerly Invitae), Labcorp
Classification: Uncertain significance for Familial cancer of breast. Last evaluated: 2024-06-30. Review status: criteria provided, single submitter. Criteria: Invitae Variant Classification Sherloc (09022015). Collection method: clinical testing. Allele origin: germline.
Comment: This sequence change replaces arginine, which is basic and polar, with cysteine, which is neutral and slightly polar, at codon 43 of the BARD1 protein (p.Arg43Cys). This variant is not present in population databases (gnomAD no frequency). This variant has not been reported in the literature in individuals affected with BARD1-related conditions. ClinVar contains an entry for this variant (Variation ID: 489652). An algorithm developed to predict the effect of missense changes on protein structure and function (PolyPhen-2) suggests that this variant is likely to be disruptive. In summary, the available evidence is currently insufficient to determine the role of this variant in disease. Therefore, it has been classified as a Variant of Uncertain Significance.

Color Diagnostics, LLC DBA Color Health
Classification: Uncertain significance for Hereditary cancer-predisposing syndrome. Last evaluated: 2023-08-16. Review status: criteria provided, single submitter. Criteria: ACMG Guidelines, 2015. Collection method: clinical testing. Allele origin: germline.
Comment: This missense variant replaces arginine with cysteine at codon 43 of the BARD1 protein. Computational prediction suggests that this variant may not impact protein structure and function (internally defined REVEL score threshold <= 0.5, PMID: 27666373). To our knowledge, functional studies have not been reported for this variant. This variant has not been reported in individuals affected with BARD1-related disorders in the literature. This variant has not been identified in the general population by the Genome Aggregation Database (gnomAD). The available evidence is insufficient to determine the role of this variant in disease conclusively. Therefore, this variant is classified as a Variant of Uncertain Significance.

NM_000465.4(BARD1):c.127C>T (p.Arg43Cys)

Gene: BARD1 (BRCA1 associated RING domain 1; minus strand). Cytogenetic location: 2q35.
Variant type: single nucleotide variant.
Coding change: c.127C>T on transcript NM_000465.4 (MANE Select); coding-DNA position 127, C replaced by T.
Protein change: p.Arg43Cys; replaces arginine 43 with cysteine.
Molecular consequence: missense variant. On other transcripts: non-coding transcript variant (3).
Genome position (GRCh38, 1-based): chr2:214,809,443, G>A on the plus strand (C>T on the coding strand, the complement: BARD1 is on the minus strand). VCF-style: chr2-214809443-G-A. GRCh37 (hg19) VCF-style: chr2-215674167-G-A.
Other names: c.127C>T, p.Arg43Cys (NM_001282543.2, NM_001282545.2, NM_001282548.2 and 1 more transcripts); c.127C>T (NM_000465.2); short protein forms R43C.
Identifiers: ClinVar variation 489652 (VCV000489652.18), dbSNP rs752871324, ClinGen allele CA350464913.